The following is an entry in ClinVar:

ClinVar aggregate classification (germline): Uncertain significance (1 of 4 stars; one submission).

Conditions:
Hereditary cancer-predisposing syndrome. Also called: Neoplastic Syndromes, Hereditary; Tumor predisposition; Hereditary neoplastic syndrome; Hereditary Cancer Syndrome. Identifiers: Orphanet 140162, MedGen C0027672, MeSH D009386, MONDO:0015356.

Submission:

Ambry Genetics
Classification: Uncertain significance for Hereditary cancer-predisposing syndrome. Last evaluated: 2023-01-02. Review status: criteria provided, single submitter. Criteria: Ambry Variant Classification Scheme 2023. Collection method: clinical testing. Allele origin: germline.
Comment: The p.A1708S variant (also known as c.5122G>T), located in coding exon 10 of the BRCA2 gene, results from a G to T substitution at nucleotide position 5122. The alanine at codon 1708 is replaced by serine, an amino acid with similar properties. This amino acid position is conserved. In addition, this alteration is predicted to be tolerated by in silico analysis. Since supporting evidence is limited at this time, the clinical significance of this alteration remains unclear.

NM_000059.4(BRCA2):c.5122G>T (p.Ala1708Ser)

Gene: BRCA2 (BRCA2 DNA repair associated; plus strand). Cytogenetic location: 13q13.1.
Variant type: single nucleotide variant.
Coding change: c.5122G>T on transcript NM_000059.4 (MANE Select); coding-DNA position 5122, G replaced by T.
Protein change: p.Ala1708Ser; replaces alanine 1708 with serine.
Molecular consequence: missense variant. On other transcripts: non-coding transcript variant (1), intron variant (2).
Genome position (GRCh38, 1-based): chr13:32,339,477, G>T. VCF-style: chr13-32339477-G-T. GRCh37 (hg19) VCF-style: chr13-32913614-G-T.
Other names: c.5122G>T, p.Ala1708Ser (NM_001406719.1, NM_001406720.1); c.1910-5081G>T (NM_001406721.1); c.425-5081G>T (NM_001406722.1); short protein forms A1708S.
Identifiers: ClinVar variation 2451527 (VCV002451527.2), dbSNP rs2137514156, ClinGen allele CA387784159.